The following is an entry in ClinVar:

ClinVar aggregate classification (germline): Uncertain significance (1 of 4 stars; one submission).

Conditions:
Hearing loss, autosomal dominant 77. Also called: DEAFNESS, AUTOSOMAL DOMINANT 77. Identifiers: MedGen C5394499, MONDO:0030058, OMIM 618915.

Submission:

Juno Genomics, Hangzhou Juno Genomics, Inc
Classification: Uncertain significance for Hearing loss, autosomal dominant 77. Review status: criteria provided, single submitter. Criteria: ACMG Guidelines, 2015. Collection method: clinical testing. Allele origin: germline.
Comment: Absent from controls (or at extremely low frequency if recessive) in Genome Aggregation Database.;Multiple lines of computational evidence support a deleterious effect on the gene or gene product.

NM_004996.4(ABCC1):c.1475T>G (p.Val492Gly)

Gene: ABCC1 (ATP binding cassette subfamily C member 1 (ABCC1 blood group); plus strand). Cytogenetic location: 16p13.11.
Variant type: single nucleotide variant.
Coding change: c.1475T>G on transcript NM_004996.4 (MANE Select); coding-DNA position 1475, T replaced by G.
Protein change: p.Val492Gly; replaces valine 492 with glycine.
Molecular consequence: missense variant.
Genome position (GRCh38, 1-based): chr16:16,056,093, T>G. VCF-style: chr16-16056093-T-G. GRCh37 (hg19) VCF-style: chr16-16149950-T-G.
Other names: c.1349T>G, p.Val450Gly (NM_001438715.1, NM_001438719.1, NM_019901.2); c.1211T>G, p.Val404Gly (NM_001438717.1); c.1337T>G, p.Val446Gly (NM_001438718.1); c.1475T>G, p.Val492Gly (NM_001438720.1, NM_001438755.1, NM_019862.3 and 3 more transcripts); short protein forms V404G, V450G, V492G, V446G.
Identifiers: ClinVar variation 5005509 (VCV005005509.2).